The following is an entry in ClinVar:

NM_001377.3(DYNC2H1):c.8580A>G (p.Glu2860=)

Gene: DYNC2H1 (dynein cytoplasmic 2 heavy chain 1; plus strand). Cytogenetic location: 11q22.3.
Variant type: single nucleotide variant.
Coding change: c.8580A>G on transcript NM_001377.3 (MANE Select); coding-DNA position 8580, A replaced by G.
Protein change: p.Glu2860=; no amino-acid change (glutamic acid 2860 retained).
Molecular consequence: synonymous variant.
Genome position (GRCh38, 1-based): chr11:103,211,829, A>G. VCF-style: chr11-103211829-A-G. GRCh37 (hg19) VCF-style: chr11-103082558-A-G.
Other names: p.Glu2860=; c.8580A>G, p.Glu2860= (NM_001080463.2).
Identifiers: ClinVar variation 302072 (VCV000302072.25), dbSNP rs17394217, ClinGen allele CA6254483.

ClinVar aggregate classification (germline): Benign/Likely benign. Review status: criteria provided, multiple submitters, no conflicts (2 of 4 stars). 9 submissions from 9 submitters: Benign (5); Likely benign (1). 3 of the submissions do not count toward it. Last evaluated 2026-02-04.

Conditions:
Jeune thoracic dystrophy. Also called: Infantile thoracic dystrophy; Thoracic pelvic phalangeal dystrophy; Jeune's syndrome; Chondroectodermal dysplasia-like syndrome; Short-rib thoracic dysplasia; Jeune syndrome. Identifiers: Orphanet 474, MedGen C0265275, MONDO:0018770.
Asphyxiating thoracic dystrophy 3. Also called: SHORT-RIB THORACIC DYSPLASIA 3 WITH OR WITHOUT POLYDACTYLY; POLYDACTYLY WITH NEONATAL CHONDRODYSTROPHY, TYPE I; SHORT-RIB THORACIC DYSPLASIA 3/6 WITH POLYDACTYLY, DIGENIC; Short rib polydactyly syndrome 2B; Saldino-Noonan Syndrome. Identifiers: Orphanet 474, Orphanet 93269, Orphanet 93270, Orphanet 93271, MedGen C0036069, MONDO:0013127, OMIM 613091.

Allele frequency attached by ClinVar (database versions not stated): TOPMed 0.07544; 1000 Genomes Project 0.07768; 1000 Genomes Project 30x 0.07886; ESP Exome Variant Server 0.08163; gnomAD 0.10011.
gnomAD v4.1: 162,806 of 1,425,924 alleles (11%); highest among the groups gnomAD compares: East Asian, 12%; 10,052 homozygotes.

Submissions (9):

Labcorp Genetics (formerly Invitae), Labcorp
Classification: Benign for Jeune thoracic dystrophy. Last evaluated: 2026-02-04. Review status: criteria provided, single submitter. Criteria: Invitae Variant Classification Sherloc (09022015). Collection method: clinical testing. Allele origin: germline.

Blueprint Genetics
Classification: Benign. Last evaluated: 2024-11-27. Review status: criteria provided, single submitter. Criteria: ACMG Guidelines, 2015. Collection method: clinical testing. Allele origin: germline.

Mayo Clinic Laboratories, Mayo Clinic
Classification: Benign. Last evaluated: 2022-03-09. Review status: criteria provided, single submitter. Criteria: ACMG Guidelines, 2015. Collection method: clinical testing. Allele origin: germline. Observed: 15 variant alleles.

Illumina Laboratory Services, Illumina
Classification: Benign for Asphyxiating thoracic dystrophy 3. Last evaluated: 2018-01-13. Review status: criteria provided, single submitter. Criteria: ICSL Variant Classification Criteria 13 December 2019. Collection method: clinical testing. Allele origin: germline.
Comment: This variant was observed in the ICSL laboratory as part of a predisposition screen in an ostensibly healthy population. It had not been previously curated by ICSL or reported in the Human Gene Mutation Database (HGMD: prior to June 1st, 2018), and was therefore a candidate for classification through an automated scoring system. Utilizing variant allele frequency, disease prevalence and penetrance estimates, and inheritance mode, an automated score was calculated to assess if this variant is too frequent to cause the disease. Based on the score and internal cut-off values, a variant classified as benign is not then subjected to further curation. The score for this variant resulted in a classification of benign for this disease.

GeneDx
Classification: Benign. Last evaluated: 2016-03-29. Review status: criteria provided, single submitter. Criteria: GeneDx Variant Classification (06012015). Collection method: clinical testing. Allele origin: germline. Affected: yes.
Comment: This variant is considered likely benign or benign based on one or more of the following criteria: it is a conservative change, it occurs at a poorly conserved position in the protein, it is predicted to be benign by multiple in silico algorithms, and/or has population frequency not consistent with disease.

Breakthrough Genomics
Classification: Likely benign. Review status: criteria provided, single submitter. Criteria: ACMG Guidelines, 2015. Collection method: not provided. Allele origin: germline. Inheritance: Autosomal recessive inheritance. Affected: yes.

Clinical Genetics DNA and cytogenetics Diagnostics Lab, Erasmus MC, Erasmus Medical Center
Classification: Benign. Review status: no assertion criteria provided. Collection method: clinical testing. Allele origin: germline. Affected: yes. Study: VKGL Data-share Consensus. Not counted in ClinVar's aggregate classification.

Diagnostic Laboratory, Department of Genetics, University Medical Center Groningen
Classification: Benign. Review status: no assertion criteria provided. Collection method: clinical testing. Allele origin: germline. Affected: yes. Study: VKGL Data-share Consensus. Not counted in ClinVar's aggregate classification.

Joint Genome Diagnostic Labs from Nijmegen and Maastricht, Radboudumc and MUMC+
Classification: Benign. Review status: no assertion criteria provided. Collection method: clinical testing. Allele origin: germline. Affected: yes. Study: VKGL Data-share Consensus. Not counted in ClinVar's aggregate classification.